The following is an entry in ClinVar:

NM_001761.3(CCNF):c.1767C>G (p.Pro589=)

Gene: CCNF (cyclin F; plus strand). Cytogenetic location: 16p13.3.
Variant type: single nucleotide variant.
Coding change: c.1767C>G on transcript NM_001761.3 (MANE Select); coding-DNA position 1767, C replaced by G.
Protein change: p.Pro589=; no amino-acid change (proline 589 retained).
Molecular consequence: synonymous variant.
Genome position (GRCh38, 1-based): chr16:2,455,446, C>G. VCF-style: chr16-2455446-C-G. GRCh37 (hg19) VCF-style: chr16-2505447-C-G.
Other names: p.Pro589=; c.843C>G, p.Pro281= (NM_001323538.2).
Identifiers: ClinVar variation 4684067 (VCV004684067.1).

ClinVar aggregate classification (germline): Likely benign (1 of 4 stars; one submission).

gnomAD v4.1: 15 of 1,598,346 alleles (0.00094%); highest among the groups gnomAD compares: Middle Eastern, 0.017%; no homozygotes.

Submission:

Mayo Clinic Laboratories, Mayo Clinic
Classification: Likely benign. Last evaluated: 2025-02-18. Review status: criteria provided, single submitter. Criteria: ACMG Guidelines, 2015. Collection method: clinical testing. Allele origin: germline. Observed: 1 variant allele.
Comment: BP4, BP7